The following is an entry in ClinVar:

NM_001184880.2(PCDH19):c.1294A>T (p.Met432Leu)

Gene: PCDH19 (protocadherin 19; minus strand). Cytogenetic location: Xq22.1.
Variant type: single nucleotide variant.
Coding change: c.1294A>T on transcript NM_001184880.2 (MANE Select); coding-DNA position 1294, A replaced by T.
Protein change: p.Met432Leu; replaces methionine 432 with leucine.
Molecular consequence: missense variant.
Genome position (GRCh38, 1-based): chrX:100,407,304, T>A on the plus strand (A>T on the coding strand, the complement: PCDH19 is on the minus strand). VCF-style: chrX-100407304-T-A. GRCh37 (hg19) VCF-style: chrX-99662302-T-A.
Other names: c.1294A>T, p.Met432Leu (NM_001105243.2, NM_020766.3); short protein forms M432L.
Identifiers: ClinVar variation 3896039 (VCV003896039.1).

ClinVar aggregate classification (germline): Uncertain significance (1 of 4 stars; one submission).

Submission:

Women's Health and Genetics/Laboratory Corporation of America, LabCorp
Classification: Uncertain significance. Last evaluated: 2025-03-21. Review status: criteria provided, single submitter. Criteria: LabCorp Variant Classification Summary - May 2015. Collection method: clinical testing. Allele origin: germline.
Comment: Variant summary: PCDH19 c.1294A>T (p.Met432Leu) results in a conservative amino acid change in the encoded protein sequence. Five of five in-silico tools predict a benign effect of the variant on protein function. The variant was absent in 181878 control chromosomes. The available data on variant occurrences in the general population are insufficient to allow any conclusion about variant significance. To our knowledge, no occurrence of c.1294A>T in individuals affected with Developmental And Epileptic Encephalopathy, 9 and no experimental evidence demonstrating its impact on protein function have been reported. No submitters have cited clinical-significance assessments for this variant to ClinVar. Based on the evidence outlined above, the variant was classified as uncertain significance.